The following is an entry in ClinVar:

NM_006245.4(PPP2R5D):c.65G>A (p.Ser22Asn)

Gene: PPP2R5D (protein phosphatase 2 regulatory subunit B'delta; plus strand). Cytogenetic location: 6p21.1.
Variant type: single nucleotide variant.
Coding change: c.65G>A on transcript NM_006245.4 (MANE Select); coding-DNA position 65, G replaced by A.
Protein change: p.Ser22Asn; replaces serine 22 with asparagine.
Molecular consequence: missense variant. On other transcripts: 5 prime UTR variant (1), intron variant (1).
Genome position (GRCh38, 1-based): chr6:42,989,648, G>A. VCF-style: chr6-42989648-G-A. GRCh37 (hg19) VCF-style: chr6-42957386-G-A.
Other names: c.-406G>A (NM_001270476.2); c.65G>A, p.Ser22Asn (NM_180976.3); c.27+4944G>A (NM_180977.3); short protein forms S22N.
Identifiers: ClinVar variation 1516603 (VCV001516603.6), dbSNP rs373458153, ClinGen allele CA3811723.
Genomic context (GRCh38, chr6:42,989,648, plus strand): 5'-TTACTTTCATCTTTTCCTTTCAGGAGCCCCCCAAGGTTGCCAAATGCACAGCCAAGCCTA[G>A]CAGCTCGGGCAAGGATGGTGGAGGCGAGAACACTGAGGAGGTAATGAATGTAGGCGTAGC-3'
Protein context (NP_006236.1, residues 12-32): PKVAKCTAKP[Ser22Asn]SSGKDGGGEN

ClinVar aggregate classification (germline): Uncertain significance (1 of 4 stars; one submission).

Allele frequency attached by ClinVar (database versions not stated): gnomAD exomes below 0.00001 and 0.00001; TOPMed below 0.00001; ExAC 0.00001; ESP Exome Variant Server 0.00008.
gnomAD v4.1: 9 of 1,614,022 alleles (0.00056%); highest among the groups gnomAD compares: Non-Finnish European, 0.00076%; no homozygotes.

Submission:

Labcorp Genetics (formerly Invitae), Labcorp
Classification: Uncertain significance. Last evaluated: 2024-03-20. Review status: criteria provided, single submitter. Criteria: Invitae Variant Classification Sherloc (09022015). Collection method: clinical testing. Allele origin: germline.
Comment: This sequence change replaces serine, which is neutral and polar, with asparagine, which is neutral and polar, at codon 22 of the PPP2R5D protein (p.Ser22Asn). This variant is present in population databases (rs373458153, gnomAD 0.002%). This variant has not been reported in the literature in individuals affected with PPP2R5D-related conditions. ClinVar contains an entry for this variant (Variation ID: 1516603). Algorithms developed to predict the effect of missense changes on protein structure and function output the following: SIFT: "Not Available"; PolyPhen-2: "Benign"; Align-GVGD: "Not Available". The asparagine amino acid residue is found in multiple mammalian species, which suggests that this missense change does not adversely affect protein function. In summary, the available evidence is currently insufficient to determine the role of this variant in disease. Therefore, it has been classified as a Variant of Uncertain Significance.